The following is an entry in ClinVar:

NM_001927.4(DES):c.284A>T (p.Asp95Val)

Gene: DES (desmin; plus strand). Cytogenetic location: 2q35.
Variant type: single nucleotide variant.
Coding change: c.284A>T on transcript NM_001927.4 (MANE Select); coding-DNA position 284, A replaced by T.
Protein change: p.Asp95Val; replaces aspartic acid 95 with valine.
Molecular consequence: missense variant.
Genome position (GRCh38, 1-based): chr2:219,418,746, A>T. VCF-style: chr2-219418746-A-T. GRCh37 (hg19) VCF-style: chr2-220283468-A-T.
Other names: c.284A>T, p.Asp95Val (NM_001382708.1, NM_001382709.1, NM_001382710.1 and 3 more transcripts); short protein forms D95V.
Identifiers: ClinVar variation 1014074 (VCV001014074.7), dbSNP rs1954370194, ClinGen allele CA350684863.

ClinVar aggregate classification (germline): Uncertain significance (1 of 4 stars; one submission).

Conditions:
Desmin-related myofibrillar myopathy (MFM1). Also called: Desminopathy; Desmin related myopathy (former name); Desmin storage myopathy (former name); MYOFIBRILLAR MYOPATHY WITH ARRHYTHMOGENIC RIGHT VENTRICULAR CARDIOMYOPATHY; DESMIN-RELATED MYOPATHY WITH ARRHYTHMOGENIC RIGHT VENTRICULAR CARDIOMYOPATHY; Myofibrillar myopathy 1. Identifiers: Orphanet 363543, Orphanet 98909, MedGen C1832370, MONDO:0011076, OMIM 601419.

Submission:

Labcorp Genetics (formerly Invitae), Labcorp
Classification: Uncertain significance for Desmin-related myofibrillar myopathy. Last evaluated: 2023-08-17. Review status: criteria provided, single submitter. Criteria: Invitae Variant Classification Sherloc (09022015). Collection method: clinical testing. Allele origin: germline.
Comment: In summary, the available evidence is currently insufficient to determine the role of this variant in disease. Therefore, it has been classified as a Variant of Uncertain Significance. Advanced modeling of protein sequence and biophysical properties (such as structural, functional, and spatial information, amino acid conservation, physicochemical variation, residue mobility, and thermodynamic stability) has been performed at Invitae for this missense variant, however the output from this modeling did not meet the statistical confidence thresholds required to predict the impact of this variant on DES protein function. ClinVar contains an entry for this variant (Variation ID: 1014074). This variant has not been reported in the literature in individuals affected with DES-related conditions. This variant is not present in population databases (gnomAD no frequency). This sequence change replaces aspartic acid, which is acidic and polar, with valine, which is neutral and non-polar, at codon 95 of the DES protein (p.Asp95Val).